The following is an entry in ClinVar:

ClinVar aggregate classification (germline): Uncertain significance (1 of 4 stars; one submission).

Conditions:
Al-Raqad syndrome. Identifiers: MedGen C4085595, MONDO:0014648, OMIM 616459.

Allele frequency attached by ClinVar (database versions not stated): gnomAD 0.00004 and 0.00006; ESP Exome Variant Server 0.00008; TOPMed 0.00011; 1000 Genomes Project 30x 0.00031; 1000 Genomes Project 0.00040.
gnomAD v4.1: 76 of 1,614,060 alleles (0.0047%); highest among the groups gnomAD compares: Admixed American, 0.062%; no homozygotes.

Submission:

Baylor Genetics
Classification: Uncertain significance for Al-Raqad syndrome. Last evaluated: 2020-05-19. Review status: criteria provided, single submitter. Criteria: ACMG Guidelines, 2015. Collection method: clinical testing. Allele origin: unknown. Affected: yes.
Comment: This variant was determined to be of uncertain significance according to ACMG Guidelines, 2015 [PMID:25741868].

NM_014026.6(DCPS):c.386C>T (p.Thr129Met)

Gene: DCPS (decapping enzyme, scavenger; plus strand). Cytogenetic location: 11q24.2.
Variant type: single nucleotide variant.
Coding change: c.386C>T on transcript NM_014026.6 (MANE Select); coding-DNA position 386, C replaced by T.
Protein change: p.Thr129Met; replaces threonine 129 with methionine.
Molecular consequence: missense variant.
Genome position (GRCh38, 1-based): chr11:126,331,414, C>T. VCF-style: chr11-126331414-C-T. GRCh37 (hg19) VCF-style: chr11-126201309-C-T.
Other names: c.407C>T, p.Thr136Met (NM_001350236.2); short protein forms T129M, T136M.
Identifiers: ClinVar variation 1031230 (VCV001031230.1), dbSNP rs201550193, ClinGen allele CA6354972.